The following is an entry in ClinVar:

ClinVar aggregate classification (germline): Uncertain significance (1 of 4 stars; one submission).

Allele frequency attached by ClinVar (database versions not stated): gnomAD exomes below 0.00001.
gnomAD v4.1: 1 of 1,614,096 alleles (0.000062%); highest among the groups gnomAD compares: Non-Finnish European, 0.000085%; no homozygotes.

Submission:

Labcorp Genetics (formerly Invitae), Labcorp
Classification: Uncertain significance. Last evaluated: 2023-08-27. Review status: criteria provided, single submitter. Criteria: Invitae Variant Classification Sherloc (09022015). Collection method: clinical testing. Allele origin: germline.
Comment: This variant is not present in population databases (gnomAD no frequency). In summary, the available evidence is currently insufficient to determine the role of this variant in disease. Therefore, it has been classified as a Variant of Uncertain Significance. Advanced modeling of protein sequence and biophysical properties (such as structural, functional, and spatial information, amino acid conservation, physicochemical variation, residue mobility, and thermodynamic stability) performed at Invitae indicates that this missense variant is not expected to disrupt SGMS2 protein function. This variant has not been reported in the literature in individuals affected with SGMS2-related conditions. This sequence change replaces alanine, which is neutral and non-polar, with threonine, which is neutral and polar, at codon 260 of the SGMS2 protein (p.Ala260Thr).

NM_001375905.1(SGMS2):c.778G>A (p.Ala260Thr)

Genes: CYP2U1-AS1 (CYP2U1 and SGMS2 antisense RNA 1; minus strand), SGMS2 (sphingomyelin synthase 2; plus strand). Cytogenetic location: 4q25.
Variant type: single nucleotide variant.
Coding change: c.778G>A on transcript NM_001375905.1 (MANE Select); coding-DNA position 778, G replaced by A.
Protein change: p.Ala260Thr; replaces alanine 260 with threonine.
Molecular consequence: missense variant. On other transcripts: intron variant (1).
Genome position (GRCh38, 1-based): chr4:107,908,615, G>A. VCF-style: chr4-107908615-G-A. GRCh37 (hg19) VCF-style: chr4-108829771-G-A.
Other names: c.778G>A, p.Ala260Thr (NM_001136257.2, NM_001136258.2, NM_001375906.1 and 3 more transcripts); c.259G>A, p.Ala87Thr (NM_001375911.1); c.728-1735G>A (NM_001375910.1); short protein forms A260T, A87T.
Identifiers: ClinVar variation 2755347 (VCV002755347.3), dbSNP rs2476814512, ClinGen allele CA357827317.
Genomic context (GRCh38, chr4:107,908,615, plus strand): 5'-TACTGTCCAGATTCGCCTCGTCACTTCTGGTGGTATCATTTAATCTGCTGGCTGCTGAGT[G>A]CTGCCGGGATCATCTGCATTCTTGTAGCACACGAACACTACACTATCGATGTGATCATTG-3'
Protein context (NP_001362834.1, residues 250-270): WYHLICWLLS[Ala260Thr]AGIICILVAH